The following is an entry in ClinVar:

ClinVar aggregate classification (germline): Uncertain significance (1 of 4 stars; one submission).

Conditions:
Brugada syndrome. Also called: Sudden unexplained nocturnal death syndrome; Sudden unexpected nocturnal death syndrome; Sudden Unexplained Death Syndrome; Sudden Unexplained Nocturnal Death Syndrome (SUNDS). Identifiers: Orphanet 130, MedGen C1142166, MONDO:0015263.

Submission:

Labcorp Genetics (formerly Invitae), Labcorp
Classification: Uncertain significance for Brugada syndrome. Last evaluated: 2021-06-24. Review status: criteria provided, single submitter. Criteria: Invitae Variant Classification Sherloc (09022015). Collection method: clinical testing. Allele origin: germline.
Comment: In summary, the available evidence is currently insufficient to determine the role of this variant in disease. Therefore, it has been classified as a Variant of Uncertain Significance. Experimental studies and prediction algorithms are not available or were not evaluated, and the functional significance of this variant is currently unknown. This variant has not been reported in the literature in individuals affected with SLMAP-related conditions. This variant is a gross deletion of the genomic region encompassing exon(s) 15 of the SLMAP gene. This variant would be expected to be in-frame, preserving the integrity of the reading frame.

NC_000003.11:g.(?_57893591)_(57893753_?)del

Gene: SLMAP (sarcolemma associated protein; plus strand). Cytogenetic location: 3p14.3.
Variant type: Deletion.
Identifiers: ClinVar variation 1429755 (VCV001429755.4).